The following is an entry in ClinVar:

NM_000059.4(BRCA2):c.240A>T (p.Ile80=)

Gene: BRCA2 (BRCA2 DNA repair associated; plus strand). Cytogenetic location: 13q13.1.
Variant type: single nucleotide variant.
Coding change: c.240A>T on transcript NM_000059.4 (MANE Select); coding-DNA position 240, A replaced by T.
Protein change: p.Ile80=; no amino-acid change (isoleucine 80 retained).
Molecular consequence: synonymous variant.
Genome position (GRCh38, 1-based): chr13:32,319,249, A>T. VCF-style: chr13-32319249-A-T. GRCh37 (hg19) VCF-style: chr13-32893386-A-T.
Identifiers: ClinVar variation 385599 (VCV000385599.3), dbSNP rs80358505, ClinGen allele CA16607454.

ClinVar aggregate classification (germline): Likely benign. Review status: criteria provided, single submitter (1 of 4 stars). 2 submissions from 2 submitters: Likely benign (1). 1 of the submissions does not count toward it. Last evaluated 2016-04-15.

Conditions:
Malignant tumor of breast. Also called: Malignant breast neoplasm; Cancer breast. Identifiers: MedGen C0006142, MONDO:0007254. Disease mechanism: loss of function.

Submissions (2):

GeneDx
Classification: Likely benign. Last evaluated: 2016-04-15. Review status: criteria provided, single submitter. Criteria: GeneDx Variant Classification (06012015). Collection method: clinical testing. Allele origin: germline. Affected: yes.
Comment: This variant is considered likely benign or benign based on one or more of the following criteria: it is a conservative change, it occurs at a poorly conserved position in the protein, it is predicted to be benign by multiple in silico algorithms, and/or has population frequency not consistent with disease.

Department of Pathology and Laboratory Medicine, Sinai Health System
Classification: Likely benign for Malignant tumor of breast. Review status: no assertion criteria provided. Collection method: clinical testing. Allele origin: unknown. Affected: yes. Observed: 1 variant allele. Study: The Canadian Open Genetics Repository (COGR). Not counted in ClinVar's aggregate classification.
Comment: The p.Ile80Ile variant was not identified in the literature, nor was it identified in the dbSNP, NHLBI Exome Sequencing Project (Exome Variant Server), Exome Aggregation Consortium (ExAC), LOVD, COSMIC, ClinVar, Clinvitae, ARUP Laboratories, Mutdb, GeneInsight COGR, BIC or BRCA Share UMD. The p.Ile80Ile variant is not expected to have clinical significance because it does not result in a change of amino acid and is not located in a known consensus splice site. In addition, in silico or computational prediction software programs (SpliceSiteFinder, MaxEntScan, NNSPLICE, GeneSplicer, HumanSpliceFinder) do not predict a difference in splicing. In summary, based on the above information, the clinical significance of this variant cannot be determined with certainty at this time. This variant is classified as likely benign.